The following is an entry in ClinVar:

ClinVar aggregate classification (germline): Uncertain significance. Review status: criteria provided, multiple submitters, no conflicts (2 of 4 stars). 2 submissions from 2 submitters: Uncertain significance (2). Last evaluated 2025-10-29.

Allele frequency attached by ClinVar (database versions not stated): gnomAD 0.00002 and 0.00003; gnomAD exomes 0.00003.
gnomAD v4.1: 38 of 1,484,016 alleles (0.0026%); highest among the groups gnomAD compares: Non-Finnish European, 0.0032%; no homozygotes.

Submissions (2):

Ambry Genetics
Classification: Uncertain significance. Last evaluated: 2025-10-29. Review status: criteria provided, single submitter. Criteria: Ambry Variant Classification Scheme 2023. Collection method: clinical testing. Allele origin: germline.

Labcorp Genetics (formerly Invitae), Labcorp
Classification: Uncertain significance. Last evaluated: 2025-10-16. Review status: criteria provided, single submitter. Criteria: Invitae Variant Classification Sherloc (09022015). Collection method: clinical testing. Allele origin: germline.
Comment: This sequence change replaces glutamic acid, which is acidic and polar, with glycine, which is neutral and non-polar, at codon 4 of the CD81 protein (p.Glu4Gly). The frequency data for this variant in the population databases is considered unreliable, as metrics indicate poor data quality at this position in the gnomAD database. This variant has not been reported in the literature in individuals affected with CD81-related conditions. ClinVar contains an entry for this variant (Variation ID: 1402756). An algorithm developed to predict the effect of missense changes on protein structure and function (PolyPhen-2) suggests that this variant is likely to be tolerated. In summary, the available evidence is currently insufficient to determine the role of this variant in disease. Therefore, it has been classified as a Variant of Uncertain Significance.

NM_004356.4(CD81):c.11A>G (p.Glu4Gly)

Genes: CD81-AS1 (CD81 antisense RNA 1; minus strand), CD81 (CD81 molecule; plus strand). Cytogenetic location: 11p15.5.
Variant type: single nucleotide variant.
Coding change: c.11A>G on transcript NM_004356.4 (MANE Select); coding-DNA position 11, A replaced by G.
Protein change: p.Glu4Gly; replaces glutamic acid 4 with glycine.
Molecular consequence: missense variant. On other transcripts: intron variant (1).
Genome position (GRCh38, 1-based): chr11:2,377,560, A>G. VCF-style: chr11-2377560-A-G. GRCh37 (hg19) VCF-style: chr11-2398790-A-G.
Other names: c.11A>G (NM_004356.3); c.-148+1203A>G (NM_001297649.2); short protein forms E4G.
Identifiers: ClinVar variation 1402756 (VCV001402756.9), dbSNP rs868817598, ClinGen allele CA216278481.
Genomic context (GRCh38, chr11:2,377,560, plus strand): 5'-CCGCCCAGGACCGGCCCGCGCCCCGCAGGCCGCCCGCCGCCCGCGCCGCCATGGGAGTGG[A>G]GGGCTGCACCAAGTGCATCAAGTACCTGCTCTTCGTCTTCAATTTCGTCTTCTGGGTAAG-3'
Protein context (NP_004347.1, residues 1-14): MGV[Glu4Gly]GCTKCIKYLL